The following is an entry in ClinVar:

ClinVar aggregate classification (germline): Uncertain significance. Review status: criteria provided, multiple submitters, no conflicts (2 of 4 stars). 2 submissions from 2 submitters: Uncertain significance (2). Last evaluated 2024-06-28.

Conditions:
Mosaic variegated aneuploidy syndrome 1 (MVA1). Also called: Warburton-Anyane-Yeboa syndrome. Identifiers: Orphanet 1052, MedGen C1850343, MONDO:0009759, OMIM 257300.

Allele frequency attached by ClinVar (database versions not stated): gnomAD 0.00002 and 0.00003; TOPMed 0.00002.
gnomAD v4.1: 6 of 1,613,662 alleles (0.00037%); highest among the groups gnomAD compares: Admixed American, 0.0033%; no homozygotes.

Submissions (2):

Labcorp Genetics (formerly Invitae), Labcorp
Classification: Uncertain significance for Mosaic variegated aneuploidy syndrome 1. Last evaluated: 2024-06-28. Review status: criteria provided, single submitter. Criteria: Invitae Variant Classification Sherloc (09022015). Collection method: clinical testing. Allele origin: germline.
Comment: This sequence change replaces aspartic acid, which is acidic and polar, with asparagine, which is neutral and polar, at codon 896 of the BUB1B protein (p.Asp896Asn). This variant is present in population databases (rs778645750, gnomAD 0.003%). This variant has not been reported in the literature in individuals affected with BUB1B-related conditions. ClinVar contains an entry for this variant (Variation ID: 1690678). An algorithm developed to predict the effect of missense changes on protein structure and function (PolyPhen-2) suggests that this variant is likely to be disruptive. In summary, the available evidence is currently insufficient to determine the role of this variant in disease. Therefore, it has been classified as a Variant of Uncertain Significance.

Laboratorio de Genetica e Diagnostico Molecular, Hospital Israelita Albert Einstein
Classification: Uncertain significance. Last evaluated: 2019-09-14. Review status: criteria provided, single submitter. Criteria: ACMG Guidelines, 2015. Collection method: clinical testing. Allele origin: germline. Affected: yes.
Comment: ACMG classification criteria: PM1, PM2, PP3, BP1

NM_001211.6(BUB1B):c.2686G>A (p.Asp896Asn)

Genes: BUB1B (BUB1 mitotic checkpoint serine/threonine kinase B; plus strand), BUB1B-PAK6 (BUB1B-PAK6 readthrough; plus strand). Cytogenetic location: 15q15.1.
Variant type: single nucleotide variant.
Coding change: c.2686G>A on transcript NM_001211.6 (MANE Select); coding-DNA position 2686, G replaced by A.
Protein change: p.Asp896Asn; replaces aspartic acid 896 with asparagine.
Molecular consequence: missense variant. On other transcripts: 5 prime UTR variant (2).
Genome position (GRCh38, 1-based): chr15:40,217,503, G>A. VCF-style: chr15-40217503-G-A. GRCh37 (hg19) VCF-style: chr15-40509704-G-A.
Other names: c.-365G>A (NM_001128628.3); c.-282G>A (NM_001128629.3); short protein forms D896N.
Identifiers: ClinVar variation 1690678 (VCV001690678.4), dbSNP rs778645750, ClinGen allele CA7476105.